The following is an entry in ClinVar:

ClinVar aggregate classification (germline): Uncertain significance. Review status: criteria provided, multiple submitters, no conflicts (2 of 4 stars). 2 submissions from 2 submitters: Uncertain significance (2). Last evaluated 2025-04-14.

Conditions:
Congenital anomaly of kidney and urinary tract. Also called: Congenital anomalies of the kidney and urinary tract; Congenital anomalies of kidney and urinary tract. Identifiers: Orphanet 93545, MedGen C1968949, MeSH C566906, MONDO:0019719.

Allele frequency attached by ClinVar (database versions not stated): TOPMed 0.00001.
gnomAD v4.1: 4 of 1,613,414 alleles (0.00025%); highest among the groups gnomAD compares: Non-Finnish European, 0.00025%; no homozygotes.

Submissions (2):

Labcorp Genetics (formerly Invitae), Labcorp
Classification: Uncertain significance. Last evaluated: 2025-04-14. Review status: criteria provided, single submitter. Criteria: Invitae Variant Classification Sherloc (09022015). Collection method: clinical testing. Allele origin: germline.
Comment: This sequence change replaces serine, which is neutral and polar, with arginine, which is basic and polar, at codon 755 of the ROBO2 protein (p.Ser755Arg). This variant is not present in population databases (gnomAD no frequency). This missense change has been observed in individual(s) with congenital anomalies of kidney and urinary tract (CAKUT) (PMID: 27657687). ClinVar contains an entry for this variant (Variation ID: 995965). Invitae Evidence Modeling of protein sequence and biophysical properties (such as structural, functional, and spatial information, amino acid conservation, physicochemical variation, residue mobility, and thermodynamic stability) indicates that this missense variant is not expected to disrupt ROBO2 protein function with a negative predictive value of 95%. In summary, the available evidence is currently insufficient to determine the role of this variant in disease. Therefore, it has been classified as a Variant of Uncertain Significance.

Institute of Human Genetics, University of Leipzig Medical Center
Classification: Uncertain significance for Congenital anomaly of kidney and urinary tract. Last evaluated: 2021-01-10. Review status: criteria provided, single submitter. Criteria: ACMG Guidelines, 2015. Collection method: curation. Allele origin: germline. Inheritance: Autosomal dominant inheritance. Affected: yes.
Comment: This ROBO2 variant was reported as Uncertain Significance in PMID: 27657687 with original nomenclature reported as c.A2263C, p.S755R. Variant was re-classified as Uncertain Significance based on the criteria PM2_Supporting, PP3_Supporting.

Literature cited by the submitters: PubMed 27657687 (cited by Labcorp Genetics (formerly Invitae), Labcorp and Institute of Human Genetics, University of Leipzig Medical Center).

NM_001395656.1(ROBO2):c.2275A>C (p.Ser759Arg)

Gene: ROBO2 (roundabout guidance receptor 2; plus strand). Cytogenetic location: 3p12.3.
Variant type: single nucleotide variant.
Coding change: c.2275A>C on transcript NM_001395656.1 (MANE Select); coding-DNA position 2275, A replaced by C.
Protein change: p.Ser759Arg; replaces serine 759 with arginine.
Molecular consequence: missense variant.
Genome position (GRCh38, 1-based): chr3:77,577,549, A>C. VCF-style: chr3-77577549-A-C. GRCh37 (hg19) VCF-style: chr3-77626700-A-C.
Other names: c.2311A>C, p.Ser771Arg (NM_001128929.3); c.2275A>C, p.Ser759Arg (NM_001290039.2, NM_001290040.2, NM_001378202.1); c.484A>C, p.Ser162Arg (NM_001290065.2); c.2323A>C, p.Ser775Arg (NM_001378190.1, NM_001378191.1, NM_001378195.1 and 4 more transcripts); c.2344A>C, p.Ser782Arg (NM_001378192.1, NM_001378194.1, NM_001394213.1 and 2 more transcripts); c.2263A>C, p.Ser755Arg (NM_001378193.1, NM_002942.5, NM_001378197.1); c.2332A>C, p.Ser778Arg (NM_001394214.1, NM_001395657.1, NM_001394212.1); short protein forms S162R, S755R, S759R, S771R, S775R, S782R, S778R.
Identifiers: ClinVar variation 995965 (VCV000995965.6), dbSNP rs910956713, ClinGen allele CA77504860.